The following is an entry in ClinVar:

NM_018668.5(VPS33B):c.1133A>G (p.Glu378Gly)

Gene: VPS33B (VPS33B late endosome and lysosome associated; minus strand). Cytogenetic location: 15q26.1.
Variant type: single nucleotide variant.
Coding change: c.1133A>G on transcript NM_018668.5 (MANE Select); coding-DNA position 1133, A replaced by G.
Protein change: p.Glu378Gly; replaces glutamic acid 378 with glycine.
Molecular consequence: missense variant.
Genome position (GRCh38, 1-based): chr15:91,005,092, T>C on the plus strand (A>G on the coding strand, the complement: VPS33B is on the minus strand). VCF-style: chr15-91005092-T-C. GRCh37 (hg19) VCF-style: chr15-91548322-T-C.
Other names: c.1052A>G, p.Glu351Gly (NM_001289148.1); c.860A>G, p.Glu287Gly (NM_001289149.1); short protein forms E351G, E378G, E287G.
Identifiers: ClinVar variation 2960372 (VCV002960372.3), dbSNP rs745516900, ClinGen allele CA7744775.

ClinVar aggregate classification (germline): Uncertain significance (1 of 4 stars; one submission).

Allele frequency attached by ClinVar (database versions not stated): gnomAD exomes below 0.00001; ExAC 0.00003; gnomAD 0.00001; TOPMed 0.00003.
gnomAD v4.1: 7 of 1,614,124 alleles (0.00043%); highest among the groups gnomAD compares: East Asian, 0.016%; no homozygotes.

Submission:

Labcorp Genetics (formerly Invitae), Labcorp
Classification: Uncertain significance. Last evaluated: 2025-07-31. Review status: criteria provided, single submitter. Criteria: Invitae Variant Classification Sherloc (09022015). Collection method: clinical testing. Allele origin: germline.
Comment: This sequence change replaces glutamic acid, which is acidic and polar, with glycine, which is neutral and non-polar, at codon 378 of the VPS33B protein (p.Glu378Gly). This variant is present in population databases (rs745516900, gnomAD 0.04%). This variant has not been reported in the literature in individuals affected with VPS33B-related conditions. ClinVar contains an entry for this variant (Variation ID: 2960372). Invitae Evidence Modeling of protein sequence and biophysical properties (such as structural, functional, and spatial information, amino acid conservation, physicochemical variation, residue mobility, and thermodynamic stability) indicates that this missense variant is not expected to disrupt VPS33B protein function with a negative predictive value of 80%. In summary, the available evidence is currently insufficient to determine the role of this variant in disease. Therefore, it has been classified as a Variant of Uncertain Significance.